The following is an entry in ClinVar:

ClinVar aggregate classification (germline): Uncertain significance. Review status: criteria provided, multiple submitters, no conflicts (2 of 4 stars). 2 submissions from 2 submitters: Uncertain significance (2). Last evaluated 2025-09-28.

Conditions:
Neuronopathy, distal hereditary motor, autosomal recessive 4. Also called: NEUROPATHY, DISTAL HEREDITARY MOTOR, AUTOSOMAL RECESSIVE 4; Autosomal recessive lower motor neuron disease with childhood onset. Identifiers: Orphanet 206580, MedGen C1970211, MONDO:0012608, OMIM 611067.
Charcot-Marie-Tooth disease recessive intermediate C. Also called: CHARCOT-MARIE-TOOTH NEUROPATHY, RECESSIVE INTERMEDIATE C. Identifiers: Orphanet 369867, MedGen C3809309, MONDO:0014154, OMIM 615376.

Allele frequency attached by ClinVar (database versions not stated): TOPMed below 0.00001; gnomAD exomes 0.00001 and 0.00002.

Submissions (2):

Mayo Clinic Laboratories, Mayo Clinic
Classification: Uncertain significance. Last evaluated: 2025-09-28. Review status: criteria provided, single submitter. Criteria: ACMG Guidelines, 2015. Collection method: clinical testing. Allele origin: germline. Observed: 1 variant allele.
Comment: BP4

Labcorp Genetics (formerly Invitae), Labcorp
Classification: Uncertain significance for Neuronopathy, distal hereditary motor, autosomal recessive 4; Charcot-Marie-Tooth disease recessive intermediate C. Last evaluated: 2024-02-23. Review status: criteria provided, single submitter. Criteria: Invitae Variant Classification Sherloc (09022015). Collection method: clinical testing. Allele origin: germline.
Comment: This sequence change replaces glycine, which is neutral and non-polar, with arginine, which is basic and polar, at codon 217 of the PLEKHG5 protein (p.Gly217Arg). This variant is present in population databases (no rsID available, gnomAD 0.01%). This variant has not been reported in the literature in individuals affected with PLEKHG5-related conditions. ClinVar contains an entry for this variant (Variation ID: 1051614). An algorithm developed to predict the effect of missense changes on protein structure and function (PolyPhen-2) suggests that this variant is likely to be disruptive. In summary, the available evidence is currently insufficient to determine the role of this variant in disease. Therefore, it has been classified as a Variant of Uncertain Significance.

NM_020631.6(PLEKHG5):c.649G>A (p.Gly217Arg)

Gene: PLEKHG5 (pleckstrin homology and RhoGEF domain containing G5; minus strand). Cytogenetic location: 1p36.31.
Variant type: single nucleotide variant.
Coding change: c.649G>A on transcript NM_020631.6 (MANE Select); coding-DNA position 649, G replaced by A.
Protein change: p.Gly217Arg; replaces glycine 217 with arginine.
Molecular consequence: missense variant.
Genome position (GRCh38, 1-based): chr1:6,473,397, C>T on the plus strand (G>A on the coding strand, the complement: PLEKHG5 is on the minus strand). VCF-style: chr1-6473397-C-T. GRCh37 (hg19) VCF-style: chr1-6533457-C-T.
Other names: p.Gly217Arg; c.649G>A, p.Gly217Arg (NM_001042664.2, NM_001042665.2, NM_001265594.3 and 1 more transcripts); c.760G>A, p.Gly254Arg (NM_001042663.3, NM_001265592.2); c.856G>A, p.Gly286Arg (NM_001265593.2); c.649G>A (NM_020631.5); short protein forms G217R, G254R, G286R.
Identifiers: ClinVar variation 1051614 (VCV001051614.9), dbSNP rs1253304988, ClinGen allele CA338137157.
Genomic context (GRCh38, chr1:6,473,397, plus strand): 5'-TGGTGCTGCCACTGCTGCCGCTGGGCAGAGAGCAGCTGGAGGGCGTGGGGGGCTCCTGCC[C>T]GGGGATGCTCGCCTCCCCCAGGAACTCCGACATGTTCTTGCGGCGGCGGCCAGGGGCCTG-3'
Protein context (NP_065682.2, residues 207-227): SEFLGEASIP[Gly217Arg]QEPPTPSSCS